The following is an entry in ClinVar:

NC_000019.9:g.(?_11118568)_(11172492_?)del

Gene: SMARCA4 (SWI/SNF related BAF chromatin remodeling complex subunit ATPase 4; plus strand). Cytogenetic location: 19p13.2.
Variant type: Deletion.
Identifiers: ClinVar variation 3248479 (VCV003248479.1).

ClinVar aggregate classification (germline): Pathogenic (1 of 4 stars; one submission).

Conditions:
Rhabdoid tumor predisposition syndrome 2 (RTPS2). Identifiers: Orphanet 231108, Orphanet 69077, MedGen C2750074, MONDO:0013224, OMIM 613325.

Submission:

Labcorp Genetics (formerly Invitae), Labcorp
Classification: Pathogenic for Rhabdoid tumor predisposition syndrome 2. Last evaluated: 2023-08-01. Review status: criteria provided, single submitter. Criteria: Invitae Variant Classification Sherloc (09022015). Collection method: clinical testing. Allele origin: unknown.
Comment: For these reasons, this variant has been classified as Pathogenic. This variant disrupts a region of the SMARCA4 protein in which other variant(s) (p.Gly784Trp) have been determined to be pathogenic (Invitae). This suggests that this is a clinically significant region of the protein, and that variants that disrupt it are likely to be disease-causing. This variant has not been reported in the literature in individuals affected with SMARCA4-related conditions. This variant is a gross deletion of the genomic region encompassing exon(s) 14-36 of the SMARCA4 gene, which includes the termination codon. This deletion extends beyond the assayed region for this gene and therefore may encompass additional genes. While this deletion is not anticipated to lead to nonsense mediated decay, it is expected to alter mRNA translation or result in a truncated protein product.